The following is an entry in ClinVar:

ClinVar aggregate classification (germline): Uncertain significance (1 of 4 stars; one submission).

Conditions:
Hereditary sensory and autonomic neuropathy type 7. Also called: Neuropathy, hereditary sensory and autonomic, type VII; HSAN VII. Identifiers: Orphanet 391397, MedGen C3809882, MONDO:0014244, OMIM 615548.
Familial episodic pain syndrome with predominantly lower limb involvement. Also called: Episodic pain syndrome, familial, 3. Identifiers: Orphanet 391384, Orphanet 391392, MedGen C3809899, MONDO:0014247, OMIM 615552.

Submission:

Labcorp Genetics (formerly Invitae), Labcorp
Classification: Uncertain significance for Familial episodic pain syndrome with predominantly lower limb involvement; Hereditary sensory and autonomic neuropathy type 7. Last evaluated: 2025-10-30. Review status: criteria provided, single submitter. Criteria: Invitae Variant Classification Sherloc (09022015). Collection method: clinical testing. Allele origin: germline.
Comment: This sequence change replaces glutamine, which is neutral and polar, with glutamic acid, which is acidic and polar, at codon 1639 of the SCN11A protein (p.Gln1639Glu). This variant is not present in population databases (gnomAD no frequency). This variant has not been reported in the literature in individuals affected with SCN11A-related conditions. ClinVar contains an entry for this variant (Variation ID: 855479). Invitae Evidence Modeling of protein sequence and biophysical properties (such as structural, functional, and spatial information, amino acid conservation, physicochemical variation, residue mobility, and thermodynamic stability) indicates that this missense variant is expected to disrupt SCN11A protein function with a positive predictive value of 80%. In summary, the available evidence is currently insufficient to determine the role of this variant in disease. Therefore, it has been classified as a Variant of Uncertain Significance.

NM_001349253.2(SCN11A):c.4915C>G (p.Gln1639Glu)

Gene: SCN11A (sodium voltage-gated channel alpha subunit 11; minus strand). Cytogenetic location: 3p22.2.
Variant type: single nucleotide variant.
Coding change: c.4915C>G on transcript NM_001349253.2 (MANE Select); coding-DNA position 4915, C replaced by G.
Protein change: p.Gln1639Glu; replaces glutamine 1639 with glutamic acid.
Molecular consequence: missense variant.
Genome position (GRCh38, 1-based): chr3:38,847,155, G>C on the plus strand (C>G on the coding strand, the complement: SCN11A is on the minus strand). VCF-style: chr3-38847155-G-C. GRCh37 (hg19) VCF-style: chr3-38888646-G-C.
Other names: c.4915C>G, p.Gln1639Glu (NM_014139.3); short protein forms Q1639E.
Identifiers: ClinVar variation 855479 (VCV000855479.6), dbSNP rs2064684009, ClinGen allele CA352162087.